The following is an entry in ClinVar:

NM_016188.5(ACTL6B):c.1274G>A (p.Cys425Tyr)

Gene: ACTL6B (actin like 6B; minus strand). Cytogenetic location: 7q22.1.
Variant type: single nucleotide variant.
Coding change: c.1274G>A on transcript NM_016188.5 (MANE Select); coding-DNA position 1274, G replaced by A.
Protein change: p.Cys425Tyr; replaces cysteine 425 with tyrosine.
Molecular consequence: missense variant. On other transcripts: non-coding transcript variant (1).
Genome position (GRCh38, 1-based): chr7:100,643,253, C>T on the plus strand (G>A on the coding strand, the complement: ACTL6B is on the minus strand). VCF-style: chr7-100643253-C-T. GRCh37 (hg19) VCF-style: chr7-100240876-C-T.
Other names: short protein forms C425Y.
Identifiers: ClinVar variation 4532745 (VCV004532745.2).
Genomic context (GRCh38, chr7:100,643,253, plus strand): 5'-GGTTAAGGGACTTCCATCTGAGCTTGGGAGCAGGTGTGTGGGGAGGAGTGCCATCAGGGG[C>T]ACTTTCGCTCCACGCACTGCTTCCCGCCCTCCTCATATTCCTGCTTGGAGATCCACATCT-3'
Protein context (NP_057272.1, residues 415-426): EGGKQCVERK[Cys425Tyr]P

ClinVar aggregate classification (germline): Uncertain significance (1 of 4 stars; one submission).

gnomAD v4.1: 1 of 1,613,984 alleles (0.000062%); highest among the groups gnomAD compares: Non-Finnish European, 0.000085%; no homozygotes.

Submission:

GeneDx
Classification: Uncertain significance. Last evaluated: 2026-08-02. Review status: criteria provided, single submitter. Criteria: GeneDx Variant Classification Process June 2021. Collection method: clinical testing. Allele origin: germline.
Comment: Not observed at significant frequency in large population cohorts (gnomAD); In silico analysis supports that this missense variant has a deleterious effect on protein structure/function; Has not been previously published as pathogenic or benign to our knowledge